The following is an entry in ClinVar:

ClinVar aggregate classification (germline): Uncertain significance (1 of 4 stars; one submission).

Conditions:
Familial acute necrotizing encephalopathy (IIAE3). Also called: ENCEPHALOPATHY, ACUTE, INFECTION-INDUCED, SUSCEPTIBILITY TO, 3; Susceptibility to Acute Necrotizing Encephalopathy 1. Identifiers: Orphanet 88619, MedGen C2675556, MONDO:0011953, OMIM 608033.

Submission:

Labcorp Genetics (formerly Invitae), Labcorp
Classification: Uncertain significance for Familial acute necrotizing encephalopathy. Last evaluated: 2022-08-09. Review status: criteria provided, single submitter. Criteria: Invitae Variant Classification Sherloc (09022015). Collection method: clinical testing. Allele origin: germline.
Comment: Algorithms developed to predict the effect of sequence changes on RNA splicing suggest that this variant may create or strengthen a splice site. In summary, the available evidence is currently insufficient to determine the role of this variant in disease. Therefore, it has been classified as a Variant of Uncertain Significance. Algorithms developed to predict the effect of missense changes on protein structure and function are either unavailable or do not agree on the potential impact of this missense change (SIFT: "Not Available"; PolyPhen-2: "Benign"; Align-GVGD: "Not Available"). This sequence change replaces cysteine, which is neutral and slightly polar, with asparagine, which is neutral and polar, at codon 1749 of the RANBP2 protein (p.Cys1749Asn). The frequency data for this variant in the population databases is considered unreliable, as metrics indicate poor data quality at this position in the gnomAD database. This variant has not been reported in the literature in individuals affected with RANBP2-related conditions. ClinVar contains an entry for this variant (Variation ID: 1063081).

NM_006267.5(RANBP2):c.5245_5246delinsAA (p.Cys1749Asn)

Gene: RANBP2 (RAN binding protein 2; plus strand). Cytogenetic location: 2q13.
Variant type: Indel.
Coding change: c.5245_5246delinsAA on transcript NM_006267.5 (MANE Select); coding-DNA positions 5245 to 5246, TG replaced by AA.
Protein change: p.Cys1749Asn; replaces cysteine 1749 with asparagine.
Molecular consequence: missense variant.
Genome position (GRCh38, 1-based): chr2:108,765,784-108,765,785, TG replaced by AA. VCF-style: chr2-108765784-TG-AA. GRCh37 (hg19) VCF-style: chr2-109382240-TG-AA.
Other names: short protein forms C1749N.
Identifiers: ClinVar variation 1063081 (VCV001063081.10), dbSNP rs2149278309, ClinGen allele CA2499214946.